The following is an entry in ClinVar:

NM_032590.5(KDM2B):c.3118C>G (p.Arg1040Gly)

Gene: KDM2B (lysine demethylase 2B; minus strand). Cytogenetic location: 12q24.31.
Variant type: single nucleotide variant.
Coding change: c.3118C>G on transcript NM_032590.5 (MANE Select); coding-DNA position 3118, C replaced by G.
Protein change: p.Arg1040Gly; replaces arginine 1040 with glycine.
Molecular consequence: missense variant.
Genome position (GRCh38, 1-based): chr12:121,442,323, G>C on the plus strand (C>G on the coding strand, the complement: KDM2B is on the minus strand). VCF-style: chr12-121442323-G-C. GRCh37 (hg19) VCF-style: chr12-121880126-G-C.
Other names: c.2911C>G, p.Arg971Gly (NM_001005366.2); c.3214C>G, p.Arg1072Gly (NM_001439014.1, NM_001439015.1); c.3196C>G, p.Arg1066Gly (NM_001439016.1); c.3118C>G, p.Arg1040Gly (NM_001439017.1, NM_001439018.1); c.3103C>G, p.Arg1035Gly (NM_001439020.1); c.3085C>G, p.Arg1029Gly (NM_001439021.1); c.3055C>G, p.Arg1019Gly (NM_001439022.1, NM_001439023.1); c.3025C>G, p.Arg1009Gly (NM_001439025.1, NM_001439026.1); and 3 more; short protein forms R1003G, R1009G, R1019G, R1029G, R1035G, R1040G, R1066G, R1072G.
Identifiers: ClinVar variation 5017209 (VCV005017209.1).
Genomic context (GRCh38, chr12:121,442,323, plus strand): 5'-CATCGTCCAGGGGTAGCGAGTCAGGCGGGGGGCTGATGGGGGGTGGCCGGATCACATGGC[G>C]CTCCATCTGGATACACTTGGGCGGGGACACGGAGGGTGGGGGCCGGGAGATGACACGGGG-3'
Protein context (NP_115979.3, residues 1030-1050): VSPPKCIQME[Arg1040Gly]HVIRPPPISP

ClinVar aggregate classification (germline): Uncertain significance (1 of 4 stars; one submission).

Submission:

GeneDx
Classification: Uncertain significance. Last evaluated: 2026-03-22. Review status: criteria provided, single submitter. Criteria: GeneDx Variant Classification Process June 2021. Collection method: clinical testing. Allele origin: germline.
Comment: Not observed at significant frequency in large population cohorts (gnomAD); In silico analysis supports that this missense variant has a deleterious effect on protein structure/function; Has not been previously published as pathogenic or benign to our knowledge